The following is an entry in ClinVar:

ClinVar aggregate classification (germline): Uncertain significance. Review status: criteria provided, multiple submitters, no conflicts (2 of 4 stars). 3 submissions from 3 submitters: Uncertain significance (3). Last evaluated 2024-08-20.

Conditions:
Hereditary cancer-predisposing syndrome. Also called: Tumor predisposition; Hereditary Cancer Syndrome; Hereditary neoplastic syndrome; Neoplastic Syndromes, Hereditary. Identifiers: Orphanet 140162, MedGen C0027672, MeSH D009386, MONDO:0015356.
Familial cancer of breast. Also called: BREAST CANCER, FAMILIAL; Hereditary breast cancer; hereditary breast carcinoma. Identifiers: Orphanet 227535, MedGen C0346153, MONDO:0016419, OMIM 114480. Disease mechanism: loss of function.

Submissions (3):

Labcorp Genetics (formerly Invitae), Labcorp
Classification: Uncertain significance for Familial cancer of breast. Last evaluated: 2024-08-20. Review status: criteria provided, single submitter. Criteria: Invitae Variant Classification Sherloc (09022015). Collection method: clinical testing. Allele origin: germline.
Comment: This sequence change replaces glycine, which is neutral and non-polar, with arginine, which is basic and polar, at codon 699 of the BARD1 protein (p.Gly699Arg). This variant is not present in population databases (gnomAD no frequency). This variant has not been reported in the literature in individuals affected with BARD1-related conditions. ClinVar contains an entry for this variant (Variation ID: 182052). An algorithm developed to predict the effect of missense changes on protein structure and function (PolyPhen-2) suggests that this variant is likely to be disruptive. In summary, the available evidence is currently insufficient to determine the role of this variant in disease. Therefore, it has been classified as a Variant of Uncertain Significance.

Ambry Genetics
Classification: Uncertain significance for Hereditary cancer-predisposing syndrome. Last evaluated: 2024-04-27. Review status: criteria provided, single submitter. Criteria: Ambry Variant Classification Scheme 2023. Collection method: clinical testing. Allele origin: germline.
Comment: The p.G699R variant (also known as c.2095G>C), located in coding exon 11 of the BARD1 gene, results from a G to C substitution at nucleotide position 2095. The glycine at codon 699 is replaced by arginine, an amino acid with dissimilar properties. This amino acid position is highly conserved in available vertebrate species. In addition, this alteration is predicted to be deleterious by in silico analysis. Since supporting evidence is limited at this time, the clinical significance of this alteration remains unclear.

GeneDx
Classification: Uncertain significance. Last evaluated: 2014-09-09. Review status: criteria provided, single submitter. Criteria: GeneDx Variant Classification (06012015). Collection method: clinical testing. Allele origin: germline. Affected: yes.
Comment: This variant is denoted BARD1 c.2095G>C at the cDNA level, p.Gly699Arg (G699R) at the protein level, and results in the change of a Glycine to an Arginine (GGG>CGG). This variant has not, to our knowledge, been published in the literature as pathogenic or benign. BARD1 Gly699Arg was not observed in approximately 6,500 individuals of European and African American ancestry in the NHLBI Exome Sequencing Project, indicating it is not a common benign variant in these populations. Since Glycine and Arginine differ in polarity, charge, size or other properties, this is considered a non-conservative amino acid substitution. BARD1 Gly699Arg occurs at a position that is highly conserved through vertebrates and is located in the BRCT2 domain (UniProt). In silico analyses predict that this variant is probably damaging to protein structure and function. Based on currently available information, it is unclear whether BARD1 Gly699Arg is pathogenic or benign. We consider it to be a variant of uncertain significance.

NM_000465.4(BARD1):c.2095G>C (p.Gly699Arg)

Gene: BARD1 (BRCA1 associated RING domain 1; minus strand). Cytogenetic location: 2q35.
Variant type: single nucleotide variant.
Coding change: c.2095G>C on transcript NM_000465.4 (MANE Select); coding-DNA position 2095, G replaced by C.
Protein change: p.Gly699Arg; replaces glycine 699 with arginine.
Molecular consequence: missense variant. On other transcripts: non-coding transcript variant (3).
Genome position (GRCh38, 1-based): chr2:214,728,915, C>G on the plus strand (G>C on the coding strand, the complement: BARD1 is on the minus strand). VCF-style: chr2-214728915-C-G. GRCh37 (hg19) VCF-style: chr2-215593639-C-G.
Other names: p.G699R:GGG>CGG; c.2038G>C, p.Gly680Arg (NM_001282543.2); c.742G>C, p.Gly248Arg (NM_001282545.2); c.685G>C, p.Gly229Arg (NM_001282548.2); c.556G>C, p.Gly186Arg (NM_001282549.2); short protein forms G699R, G229R, G186R, G248R, G680R.
Identifiers: ClinVar variation 182052 (VCV000182052.14), dbSNP rs730881423, ClinGen allele CA298476.
Genomic context (GRCh38, chr2:214,728,915, plus strand): 5'-TATTGATGGTCTGAGTCACGTCACTGTCTGGCTTGGGCTTTCTACTGAGGATCTGGCCCC[C>G]ACCTGCAGTGACGAGCTTAATAAGGTTGTCCTTTGGATGGTGTTTGAAGGTTCCCCACAA-3'
Protein context (NP_000456.2, residues 689-709): DNLIKLVTAG[Gly699Arg]GQILSRKPKP